The following is an entry in ClinVar:

NM_182641.4(BPTF):c.6229A>G (p.Ile2077Val)

Gene: BPTF (bromodomain PHD finger transcription factor; plus strand). Cytogenetic location: 17q24.2.
Variant type: single nucleotide variant.
Coding change: c.6229A>G on transcript NM_182641.4 (MANE Select); coding-DNA position 6229, A replaced by G.
Protein change: p.Ile2077Val; replaces isoleucine 2077 with valine.
Molecular consequence: missense variant.
Genome position (GRCh38, 1-based): chr17:67,931,989, A>G. VCF-style: chr17-67931989-A-G. GRCh37 (hg19) VCF-style: chr17-65928105-A-G.
Other names: c.6607A>G, p.Ile2203Val (NM_004459.7); short protein forms I2077V, I2203V.
Identifiers: ClinVar variation 2357226 (VCV002357226.5), dbSNP rs369595757, ClinGen allele CA8726138.

ClinVar aggregate classification (germline): Uncertain significance. Review status: criteria provided, multiple submitters, no conflicts (2 of 4 stars). 2 submissions from 2 submitters: Uncertain significance (2). Last evaluated 2022-11-15.

Conditions:
Inborn genetic diseases. Identifiers: MedGen C0950123, MeSH D030342.

Allele frequency attached by ClinVar (database versions not stated): ExAC 0.00011; gnomAD 0.00026; TOPMed 0.00027; ESP Exome Variant Server 0.00031; gnomAD exomes 0.00043.
gnomAD v4.1: 646 of 1,613,976 alleles (0.04%); highest among the groups gnomAD compares: Non-Finnish European, 0.054%; no homozygotes.

Submissions (2):

Labcorp Genetics (formerly Invitae), Labcorp
Classification: Uncertain significance. Last evaluated: 2022-11-15. Review status: criteria provided, single submitter. Criteria: Invitae Variant Classification Sherloc (09022015). Collection method: clinical testing. Allele origin: germline.
Comment: This sequence change replaces isoleucine, which is neutral and non-polar, with valine, which is neutral and non-polar, at codon 2203 of the BPTF protein (p.Ile2203Val). This variant is present in population databases (rs369595757, gnomAD 0.03%), and has an allele count higher than expected for a pathogenic variant. This variant has not been reported in the literature in individuals affected with BPTF-related conditions. Algorithms developed to predict the effect of missense changes on protein structure and function output the following: SIFT: "Tolerated"; PolyPhen-2: "Benign"; Align-GVGD: "Class C0". The valine amino acid residue is found in multiple mammalian species, which suggests that this missense change does not adversely affect protein function. In summary, the available evidence is currently insufficient to determine the role of this variant in disease. Therefore, it has been classified as a Variant of Uncertain Significance.

Ambry Genetics
Classification: Uncertain significance for Inborn genetic diseases. Last evaluated: 2021-07-09. Review status: criteria provided, single submitter. Criteria: Ambry Variant Classification Scheme 2023. Collection method: clinical testing. Allele origin: germline.

Literature cited by the submitters: PubMed 27452334 (cited by Ambry Genetics).